The following is an entry in ClinVar:

NM_006904.7(PRKDC):c.8165G>A (p.Arg2722Gln)

Gene: PRKDC (protein kinase, DNA-activated, catalytic subunit; minus strand). Cytogenetic location: 8q11.21.
Variant type: single nucleotide variant.
Coding change: c.8165G>A on transcript NM_006904.7 (MANE Select); coding-DNA position 8165, G replaced by A.
Protein change: p.Arg2722Gln; replaces arginine 2722 with glutamine.
Molecular consequence: missense variant.
Genome position (GRCh38, 1-based): chr8:47,831,914, C>T on the plus strand (G>A on the coding strand, the complement: PRKDC is on the minus strand). VCF-style: chr8-47831914-C-T. GRCh37 (hg19) VCF-style: chr8-48744475-C-T.
Other names: c.8165G>A, p.Arg2722Gln (NM_001081640.2); short protein forms R2722Q.
Identifiers: ClinVar variation 1901444 (VCV001901444.5), dbSNP rs763624830, ClinGen allele CA371147902.

ClinVar aggregate classification (germline): Uncertain significance (1 of 4 stars; one submission).

Conditions:
Severe combined immunodeficiency due to DNA-PKcs deficiency. Also called: IMMUNODEFICIENCY 26 WITH NEUROLOGIC ABNORMALITIES; Immunodeficiency 26 with or without neurologic abnormalities. Identifiers: Orphanet 317425, MedGen C4014833, MONDO:0014423, OMIM 615966.

gnomAD v4.1: 4 of 1,612,366 alleles (0.00025%); highest among the groups gnomAD compares: Non-Finnish European, 0.00034%; no homozygotes.

Submission:

Labcorp Genetics (formerly Invitae), Labcorp
Classification: Uncertain significance for Severe combined immunodeficiency due to DNA-PKcs deficiency. Last evaluated: 2024-10-30. Review status: criteria provided, single submitter. Criteria: Invitae Variant Classification Sherloc (09022015). Collection method: clinical testing. Allele origin: germline.
Comment: This sequence change replaces arginine, which is basic and polar, with glutamine, which is neutral and polar, at codon 2722 of the PRKDC protein (p.Arg2722Gln). This variant is not present in population databases (gnomAD no frequency). This variant has not been reported in the literature in individuals affected with PRKDC-related conditions. ClinVar contains an entry for this variant (Variation ID: 1901444). Invitae Evidence Modeling of protein sequence and biophysical properties (such as structural, functional, and spatial information, amino acid conservation, physicochemical variation, residue mobility, and thermodynamic stability) indicates that this missense variant is not expected to disrupt PRKDC protein function with a negative predictive value of 80%. In summary, the available evidence is currently insufficient to determine the role of this variant in disease. Therefore, it has been classified as a Variant of Uncertain Significance.